The following is an entry in ClinVar:

NM_001042492.3(NF1):c.5377C>A (p.Leu1793Ile)

Gene: NF1 (neurofibromin 1; plus strand). Cytogenetic location: 17q11.2.
Variant type: single nucleotide variant.
Coding change: c.5377C>A on transcript NM_001042492.3 (MANE Select); coding-DNA position 5377, C replaced by A.
Protein change: p.Leu1793Ile; replaces leucine 1793 with isoleucine.
Molecular consequence: missense variant.
Genome position (GRCh38, 1-based): chr17:31,327,607, C>A. VCF-style: chr17-31327607-C-A. GRCh37 (hg19) VCF-style: chr17-29654625-C-A.
Other names: c.5314C>A, p.Leu1772Ile (NM_000267.4); short protein forms L1793I, L1772I.
Identifiers: ClinVar variation 527460 (VCV000527460.8), dbSNP rs761676110, ClinGen allele CA399009303.

ClinVar aggregate classification (germline): Uncertain significance. Review status: criteria provided, multiple submitters, no conflicts (2 of 4 stars). 3 submissions from 3 submitters: Uncertain significance (3). Last evaluated 2024-08-28.

Conditions:
Cardiovascular phenotype. Identifiers: MedGen CN230736.
Hereditary cancer-predisposing syndrome. Also called: Neoplastic Syndromes, Hereditary; Tumor predisposition; Hereditary neoplastic syndrome; Hereditary Cancer Syndrome. Identifiers: Orphanet 140162, MedGen C0027672, MeSH D009386, MONDO:0015356.
Neurofibromatosis, type 1 (NF1). Also called: VON RECKLINGHAUSEN DISEASE; NEUROFIBROMATOSIS, TYPE I, SOMATIC; Peripheral type neurofibromatosis; Neurofibromatosis, type I. Identifiers: Orphanet 636, MedGen C0027831, MONDO:0018975, OMIM 162200. Disease mechanism: loss of function.

gnomAD v4.1: 3 of 1,614,138 alleles (0.00019%); highest among the groups gnomAD compares: Non-Finnish European, 0.00025%; no homozygotes.

Submissions (3):

Labcorp Genetics (formerly Invitae), Labcorp
Classification: Uncertain significance for Neurofibromatosis, type 1. Last evaluated: 2024-08-28. Review status: criteria provided, single submitter. Criteria: Invitae Variant Classification Sherloc (09022015). Collection method: clinical testing. Allele origin: germline.
Comment: This sequence change replaces leucine, which is neutral and non-polar, with isoleucine, which is neutral and non-polar, at codon 1772 of the NF1 protein (p.Leu1772Ile). This variant is not present in population databases (gnomAD no frequency). This variant has not been reported in the literature in individuals affected with NF1-related conditions. ClinVar contains an entry for this variant (Variation ID: 527460). Invitae Evidence Modeling of protein sequence and biophysical properties (such as structural, functional, and spatial information, amino acid conservation, physicochemical variation, residue mobility, and thermodynamic stability) indicates that this missense variant is expected to disrupt NF1 protein function with a positive predictive value of 95%. In summary, the available evidence is currently insufficient to determine the role of this variant in disease. Therefore, it has been classified as a Variant of Uncertain Significance.

GeneDx
Classification: Uncertain significance. Last evaluated: 2023-04-26. Review status: criteria provided, single submitter. Criteria: GeneDx Variant Classification Process June 2021. Collection method: clinical testing. Allele origin: germline. Affected: yes.
Comment: Not observed in large population cohorts (gnomAD); In silico analysis supports that this missense variant does not alter protein structure/function; Has not been previously published as pathogenic or benign to our knowledge

Ambry Genetics
Classification: Uncertain significance for Cardiovascular phenotype; Hereditary cancer-predisposing syndrome. Last evaluated: 2022-05-01. Review status: criteria provided, single submitter. Criteria: Ambry Variant Classification Scheme 2023. Collection method: clinical testing. Allele origin: germline.
Comment: The p.L1772I variant (also known as c.5314C>A), located in coding exon 37 of the NF1 gene, results from a C to A substitution at nucleotide position 5314. The leucine at codon 1772 is replaced by isoleucine, an amino acid with highly similar properties. This amino acid position is conserved. In addition, the in silico prediction for this alteration is inconclusive. Since supporting evidence is limited at this time, the clinical significance of this alteration remains unclear.